The following is an entry in ClinVar:

NM_004304.5(ALK):c.4717A>G (p.Arg1573Gly)

Gene: ALK (ALK receptor tyrosine kinase; minus strand). Cytogenetic location: 2p23.2.
Variant type: single nucleotide variant.
Coding change: c.4717A>G on transcript NM_004304.5 (MANE Select); coding-DNA position 4717, A replaced by G.
Protein change: p.Arg1573Gly; replaces arginine 1573 with glycine.
Molecular consequence: missense variant.
Genome position (GRCh38, 1-based): chr2:29,193,370, T>C on the plus strand (A>G on the coding strand, the complement: ALK is on the minus strand). VCF-style: chr2-29193370-T-C. GRCh37 (hg19) VCF-style: chr2-29416236-T-C.
Other names: c.1513A>G, p.Arg505Gly (NM_001353765.2); short protein forms R1573G, R505G.
Identifiers: ClinVar variation 857842 (VCV000857842.12), dbSNP rs1460362626, ClinGen allele CA346460393.
Genomic context (GRCh38, chr2:29,193,370, plus strand): 5'-AGGGCAAGCCCTGTTGCTGGTAGCCGTAATTGACATTCCCACAAGGGAAGTGACGTAGCC[T>C]GAACAGAGGTACCTCCTTCATATTGGCAGTCAGCGAAGAGGGCTCTAGGAGCAGTGAGGC-3'
Protein context (NP_004295.2, residues 1563-1583): TANMKEVPLF[Arg1573Gly]LRHFPCGNVN

ClinVar aggregate classification (germline): Uncertain significance. Review status: criteria provided, multiple submitters, no conflicts (2 of 4 stars). 2 submissions from 2 submitters: Uncertain significance (2). Last evaluated 2023-07-03.

Conditions:
Hereditary cancer-predisposing syndrome. Also called: Hereditary neoplastic syndrome; Tumor predisposition; Neoplastic Syndromes, Hereditary; Hereditary Cancer Syndrome. Identifiers: Orphanet 140162, MedGen C0027672, MeSH D009386, MONDO:0015356.
Neuroblastoma, susceptibility to, 3. Also called: ALK-Related Neuroblastic Tumor Susceptibility. Identifiers: Orphanet 635, MedGen C2751681, MONDO:0013083, OMIM 613014.

Allele frequency attached by ClinVar (database versions not stated): gnomAD exomes below 0.00001.
gnomAD v4.1: 3 of 1,614,198 alleles (0.00019%); highest among the groups gnomAD compares: Admixed American, 0.0017%; no homozygotes.

Submissions (2):

Labcorp Genetics (formerly Invitae), Labcorp
Classification: Uncertain significance for Neuroblastoma, susceptibility to, 3. Last evaluated: 2023-07-03. Review status: criteria provided, single submitter. Criteria: Invitae Variant Classification Sherloc (09022015). Collection method: clinical testing. Allele origin: germline.
Comment: An algorithm developed to predict the effect of missense changes on protein structure and function (PolyPhen-2) suggests that this variant is likely to be disruptive. In summary, the available evidence is currently insufficient to determine the role of this variant in disease. Therefore, it has been classified as a Variant of Uncertain Significance. ClinVar contains an entry for this variant (Variation ID: 857842). This sequence change replaces arginine, which is basic and polar, with glycine, which is neutral and non-polar, at codon 1573 of the ALK protein (p.Arg1573Gly). This variant is present in population databases (no rsID available, gnomAD 0.003%). This variant has not been reported in the literature in individuals affected with ALK-related conditions.

Ambry Genetics
Classification: Uncertain significance for Hereditary cancer-predisposing syndrome. Last evaluated: 2022-06-13. Review status: criteria provided, single submitter. Criteria: Ambry Variant Classification Scheme 2023. Collection method: clinical testing. Allele origin: germline.
Comment: The p.R1573G variant (also known as c.4717A>G), located in coding exon 29 of the ALK gene, results from an A to G substitution at nucleotide position 4717. The arginine at codon 1573 is replaced by glycine, an amino acid with dissimilar properties. This amino acid position is conserved. In addition, this alteration is predicted to be tolerated by in silico analysis. Since supporting evidence is limited at this time, the clinical significance of this alteration remains unclear.